The following is an entry in ClinVar:

NM_000158.4(GBE1):c.342C>T (p.Tyr114=)

Gene: GBE1 (1,4-alpha-glucan branching enzyme 1; minus strand). Cytogenetic location: 3p12.2.
Variant type: single nucleotide variant.
Coding change: c.342C>T on transcript NM_000158.4 (MANE Select); coding-DNA position 342, C replaced by T.
Protein change: p.Tyr114=; no amino-acid change (tyrosine 114 retained).
Molecular consequence: synonymous variant.
Genome position (GRCh38, 1-based): chr3:81,670,925, G>A on the plus strand (C>T on the coding strand, the complement: GBE1 is on the minus strand). VCF-style: chr3-81670925-G-A. GRCh37 (hg19) VCF-style: chr3-81720076-G-A.
Identifiers: ClinVar variation 255388 (VCV000255388.24), dbSNP rs13320194, ClinGen allele CA2499997.

ClinVar aggregate classification (germline): Benign. Review status: criteria provided, multiple submitters, no conflicts (2 of 4 stars). 12 submissions from 11 submitters: Benign (7). 5 of the submissions do not count toward it. Last evaluated 2026-02-04.

Conditions:
Glycogen storage disease, type IV (GSD4). Also called: Glycogen storage disease due to glycogen branching enzyme deficiency; GBE1 DEFICIENCY; GLYCOGEN BRANCHING ENZYME DEFICIENCY; GLYCOGENOSIS IV; GSD IV; AMYLOPECTINOSIS. Identifiers: Orphanet 367, MedGen C0017923, MONDO:0009292, OMIM 232500.
Glycogen storage disease IV, classic hepatic. Also called: GSD IV, CLASSIC HEPATIC. Identifiers: MedGen C1856301.
Adult polyglucosan body disease (APBN). Also called: POLYGLUCOSAN BODY DISEASE, ADULT FORM; GBE1-Adult Polyglucosan Body Disease. Identifiers: Orphanet 206583, MedGen C1849722, MONDO:0009897, OMIM 263570.

Allele frequency attached by ClinVar (database versions not stated): gnomAD exomes 0.03972; ExAC 0.07618; ESP Exome Variant Server 0.07800; gnomAD 0.08548 and 0.08854; TOPMed 0.09604; 1000 Genomes Project 0.10523; 1000 Genomes Project 30x 0.11040.
gnomAD v4.1: 58,397 of 1,565,734 alleles (3.7%); highest among the groups gnomAD compares: African/African-American, 22%; 2,783 homozygotes.

Submissions (12):

Labcorp Genetics (formerly Invitae), Labcorp
Classification: Benign for Glycogen storage disease, type IV; Glycogen storage disease IV, classic hepatic. Last evaluated: 2026-02-04. Review status: criteria provided, single submitter. Criteria: Invitae Variant Classification Sherloc (09022015). Collection method: clinical testing. Allele origin: germline.

Blueprint Genetics
Classification: Benign. Last evaluated: 2024-11-26. Review status: criteria provided, single submitter. Criteria: ACMG Guidelines, 2015. Collection method: clinical testing. Allele origin: germline.

Illumina Laboratory Services, Illumina
Classification: Benign for Glycogen storage disease, type IV. Last evaluated: 2018-01-13. Review status: criteria provided, single submitter. Criteria: ICSL Variant Classification Criteria 13 December 2019. Collection method: clinical testing. Allele origin: germline.
Comment: This variant was observed in the ICSL laboratory as part of a predisposition screen in an ostensibly healthy population. It had not been previously curated by ICSL or reported in the Human Gene Mutation Database (HGMD: prior to June 1st, 2018), and was therefore a candidate for classification through an automated scoring system. Utilizing variant allele frequency, disease prevalence and penetrance estimates, and inheritance mode, an automated score was calculated to assess if this variant is too frequent to cause the disease. Based on the score and internal cut-off values, a variant classified as benign is not then subjected to further curation. The score for this variant resulted in a classification of benign for this disease.

Illumina Laboratory Services, Illumina
Classification: Benign for Adult polyglucosan body disease. Last evaluated: 2018-01-13. Review status: criteria provided, single submitter. Criteria: ICSL Variant Classification Criteria 13 December 2019. Collection method: clinical testing. Allele origin: germline.
Comment: the same text as in the submission from Illumina Laboratory Services, Illumina above.

GeneDx
Classification: Benign. Last evaluated: 2015-12-17. Review status: criteria provided, single submitter. Criteria: GeneDx Variant Classification (06012015). Collection method: clinical testing. Allele origin: germline. Affected: yes.
Comment: This variant is considered likely benign or benign based on one or more of the following criteria: it is a conservative change, it occurs at a poorly conserved position in the protein, it is predicted to be benign by multiple in silico algorithms, and/or has population frequency not consistent with disease.

Breakthrough Genomics
Classification: Benign. Review status: criteria provided, single submitter. Criteria: ACMG Guidelines, 2015. Collection method: not provided. Allele origin: germline. Inheritance: Autosomal recessive inheritance. Affected: yes.

PreventionGenetics, part of Exact Sciences
Classification: Benign. Review status: criteria provided, single submitter. Criteria: ACMG Guidelines, 2015. Collection method: clinical testing. Allele origin: germline.

Natera, Inc.
Classification: Benign for Glycogen storage disease type IV. Last evaluated: 2020-09-16. Review status: no assertion criteria provided. Collection method: clinical testing. Allele origin: germline. Not counted in ClinVar's aggregate classification.

Mayo Clinic Laboratories, Mayo Clinic
Classification: Benign. Last evaluated: 2015-10-23. Review status: no assertion criteria provided. Collection method: clinical testing. Allele origin: unknown. Not counted in ClinVar's aggregate classification.

Clinical Genetics, Academic Medical Center
Classification: Benign. Review status: no assertion criteria provided. Collection method: clinical testing. Allele origin: germline. Affected: yes. Study: VKGL Data-share Consensus. Not counted in ClinVar's aggregate classification.

Joint Genome Diagnostic Labs from Nijmegen and Maastricht, Radboudumc and MUMC+
Classification: Benign. Review status: no assertion criteria provided. Collection method: clinical testing. Allele origin: germline. Affected: yes. Study: VKGL Data-share Consensus. Not counted in ClinVar's aggregate classification.

Laboratory of Diagnostic Genome Analysis, Leiden University Medical Center (LUMC)
Classification: Benign. Review status: no assertion criteria provided. Collection method: clinical testing. Allele origin: germline. Affected: yes. Study: VKGL Data-share Consensus. Not counted in ClinVar's aggregate classification.